The following is an entry in ClinVar:

NM_000422.3(KRT17):c.515+5G>A

Gene: KRT17 (keratin 17; minus strand). Cytogenetic location: 17q21.2.
Variant type: single nucleotide variant.
Coding change: c.515+5G>A on transcript NM_000422.3 (MANE Select); 5 bases into the intron after coding-DNA position 515, G replaced by A.
Molecular consequence: intron variant.
Genome position (GRCh38, 1-based): chr17:41,622,945, C>T on the plus strand (G>A on the coding strand, the complement: KRT17 is on the minus strand). VCF-style: chr17-41622945-C-T. GRCh37 (hg19) VCF-style: chr17-39779197-C-T.
Identifiers: ClinVar variation 3388447 (VCV003388447.14).

ClinVar aggregate classification (germline): Uncertain significance (1 of 4 stars; one submission).

gnomAD v4.1: 3 of 1,611,428 alleles (0.00019%); highest among the groups gnomAD compares: Non-Finnish European, 0.00017%; no homozygotes.

Submission:

CeGaT Center for Human Genetics Tuebingen
Classification: Uncertain significance. Last evaluated: 2024-09-01. Review status: criteria provided, single submitter. Criteria: CeGaT Center For Human Genetics Tuebingen Variant Classification Criteria Version 2. Collection method: clinical testing. Allele origin: germline. Affected: yes. Observed: 1 variant allele.
Comment: KRT17: PP3